The following is an entry in ClinVar:

NM_001329943.3(KIAA0586):c.4646G>A (p.Ter1549=)

Gene: KIAA0586 (KIAA0586; plus strand). Cytogenetic location: 14q23.1.
Variant type: single nucleotide variant.
Coding change: c.4646G>A on transcript NM_001329943.3 (MANE Select); coding-DNA position 4646, G replaced by A.
Protein change: p.Ter1549=.
Molecular consequence: synonymous variant.
Genome position (GRCh38, 1-based): chr14:58,547,931, G>A. VCF-style: chr14-58547931-G-A. GRCh37 (hg19) VCF-style: chr14-59014649-G-A.
Other names: c.4890G>A, p.Leu1630= (NM_001244189.2); c.4601G>A, p.Ter1534= (NM_001244190.2); c.4391G>A, p.Ter1464= (NM_001244191.2, NM_001364701.2); c.4514G>A, p.Ter1505= (NM_001244192.2, NM_001329947.2); c.4731G>A, p.Leu1577= (NM_001329944.2); c.4325G>A, p.Ter1442= (NM_001329945.2); c.4580G>A, p.Ter1527= (NM_001329946.2); c.4418G>A, p.Ter1473= (NM_014749.5).
Identifiers: ClinVar variation 711719 (VCV000711719.42), dbSNP rs758764999, ClinGen allele CA7206464.

ClinVar aggregate classification (germline): Likely benign. Review status: criteria provided, multiple submitters, no conflicts (2 of 4 stars). 3 submissions from 3 submitters: Likely benign (3). Last evaluated 2025-12-09.

Conditions:
Joubert syndrome 23 (JBTS23). Identifiers: Orphanet 475, MedGen C4084822, MONDO:0014664, OMIM 616490.
Short-rib thoracic dysplasia 14 with polydactyly (SRTD14). Identifiers: Orphanet 397715, MedGen C4225286, MONDO:0014688, OMIM 616546.

Allele frequency attached by ClinVar (database versions not stated): TOPMed 0.00002; ExAC 0.00003; gnomAD exomes 0.00003 and 0.00005; gnomAD 0.00004.
gnomAD v4.1: 74 of 1,613,274 alleles (0.0046%); highest among the groups gnomAD compares: Non-Finnish European, 0.006%; no homozygotes.

Submissions (3):

Labcorp Genetics (formerly Invitae), Labcorp
Classification: Likely benign for Joubert syndrome 23; Short-rib thoracic dysplasia 14 with polydactyly. Last evaluated: 2025-12-09. Review status: criteria provided, single submitter. Criteria: Invitae Variant Classification Sherloc (09022015). Collection method: clinical testing. Allele origin: germline.

Blueprint Genetics
Classification: Likely benign. Last evaluated: 2024-11-04. Review status: criteria provided, single submitter. Criteria: ACMG Guidelines, 2015. Collection method: clinical testing. Allele origin: germline.

CeGaT Center for Human Genetics Tuebingen
Classification: Likely benign. Last evaluated: 2022-05-01. Review status: criteria provided, single submitter. Criteria: CeGaT Center For Human Genetics Tuebingen Variant Classification Criteria Version 2. Collection method: clinical testing. Allele origin: germline. Affected: yes. Observed: 1 variant allele.
Comment: KIAA0586: BP7